The following is an entry in ClinVar:

ClinVar aggregate classification (germline): Uncertain significance (1 of 4 stars; one submission).

Submission:

Labcorp Genetics (formerly Invitae), Labcorp
Classification: Uncertain significance. Last evaluated: 2023-03-01. Review status: criteria provided, single submitter. Criteria: Invitae Variant Classification Sherloc (09022015). Collection method: clinical testing. Allele origin: germline.
Comment: In summary, the available evidence is currently insufficient to determine the role of this variant in disease. Therefore, it has been classified as a Variant of Uncertain Significance. Advanced modeling of protein sequence and biophysical properties (such as structural, functional, and spatial information, amino acid conservation, physicochemical variation, residue mobility, and thermodynamic stability) has been performed at Invitae for this missense variant, however the output from this modeling did not meet the statistical confidence thresholds required to predict the impact of this variant on HNF4A protein function. This missense change has been observed in individual(s) with clinical features of maturity onset diabetes of the young (Invitae). It has also been observed to segregate with disease in related individuals. This variant is not present in population databases (gnomAD no frequency). This sequence change replaces proline, which is neutral and non-polar, with leucine, which is neutral and non-polar, at codon 230 of the HNF4A protein (p.Pro230Leu).

NM_175914.5(HNF4A):c.689C>T (p.Pro230Leu)

Gene: HNF4A (hepatocyte nuclear factor 4 alpha; plus strand). Cytogenetic location: 20q13.12.
Variant type: single nucleotide variant.
Coding change: c.689C>T on transcript NM_175914.5 (MANE Select); coding-DNA position 689, C replaced by T.
Protein change: p.Pro230Leu; replaces proline 230 with leucine.
Molecular consequence: missense variant.
Genome position (GRCh38, 1-based): chr20:44,419,739, C>T. VCF-style: chr20-44419739-C-T. GRCh37 (hg19) VCF-style: chr20-43048379-C-T.
Other names: c.755C>T, p.Pro252Leu (NM_000457.6, NM_178849.3, NM_178850.3); c.689C>T, p.Pro230Leu (NM_001030003.3, NM_001030004.3); c.734C>T, p.Pro245Leu (NM_001258355.2); c.680C>T, p.Pro227Leu (NM_001287182.2, NM_001287183.2, NM_001287184.2); short protein forms P230L, P227L, P245L, P252L.
Identifiers: ClinVar variation 2820700 (VCV002820700.3), dbSNP rs2515698409, ClinGen allele CA409107356.